The following is an entry in ClinVar:

NM_002617.4(PEX10):c.434T>C (p.Met145Thr)

Gene: PEX10 (peroxisomal biogenesis factor 10; minus strand). Cytogenetic location: 1p36.32.
Variant type: single nucleotide variant.
Coding change: c.434T>C on transcript NM_002617.4 (MANE Select); coding-DNA position 434, T replaced by C.
Protein change: p.Met145Thr; replaces methionine 145 with threonine.
Molecular consequence: missense variant. On other transcripts: initiator codon variant (2), non-coding transcript variant (1).
Genome position (GRCh38, 1-based): chr1:2,408,618, A>G on the plus strand (T>C on the coding strand, the complement: PEX10 is on the minus strand). VCF-style: chr1-2408618-A-G. GRCh37 (hg19) VCF-style: chr1-2340057-A-G.
Other names: c.434T>C, p.Met145Thr (NM_001374425.1, NM_153818.2); c.2T>C, p.Met1Thr (NM_001374426.1, NM_001374427.1); short protein forms M145T, M1T.
Identifiers: ClinVar variation 2184489 (VCV002184489.5), dbSNP rs2522277267, ClinGen allele CA337987874.

ClinVar aggregate classification (germline): Uncertain significance (1 of 4 stars; one submission).

Conditions:
Peroxisome biogenesis disorder, complementation group 7 (CG7). Also called: Peroxisome biogenesis disorder, complementation group B. Identifiers: MedGen C1864399.

Submission:

Labcorp Genetics (formerly Invitae), Labcorp
Classification: Uncertain significance for Peroxisome biogenesis disorder, complementation group 7. Last evaluated: 2022-03-31. Review status: criteria provided, single submitter. Criteria: Invitae Variant Classification Sherloc (09022015). Collection method: clinical testing. Allele origin: germline.
Comment: In summary, the available evidence is currently insufficient to determine the role of this variant in disease. Therefore, it has been classified as a Variant of Uncertain Significance. Algorithms developed to predict the effect of missense changes on protein structure and function are either unavailable or do not agree on the potential impact of this missense change (SIFT: "Deleterious"; PolyPhen-2: "Benign"; Align-GVGD: "Class C0"). This variant has not been reported in the literature in individuals affected with PEX10-related conditions. This variant is not present in population databases (gnomAD no frequency). This sequence change replaces methionine, which is neutral and non-polar, with threonine, which is neutral and polar, at codon 145 of the PEX10 protein (p.Met145Thr).